The following is an entry in ClinVar:

NM_001267550.2(TTN):c.52317A>G (p.Lys17439=)

Genes: TTN (titin; minus strand), TTN-AS1 (TTN antisense RNA 1; plus strand). Cytogenetic location: 2q31.2.
Variant type: single nucleotide variant.
Coding change: c.52317A>G on transcript NM_001267550.2 (MANE Select); coding-DNA position 52317, A replaced by G.
Protein change: p.Lys17439=; no amino-acid change (lysine 17439 retained).
Molecular consequence: synonymous variant.
Genome position (GRCh38, 1-based): chr2:178,608,694, T>C on the plus strand (A>G on the coding strand, the complement: TTN is on the minus strand). VCF-style: chr2-178608694-T-C. GRCh37 (hg19) VCF-style: chr2-179473421-T-C.
Other names: p.Lys15798=; c.47394A>G, p.Lys15798= (NM_001256850.1); c.25122A>G, p.Lys8374= (NM_003319.4); c.44613A>G, p.Lys14871= (NM_133378.4); c.25497A>G, p.Lys8499= (NM_133432.3); c.25698A>G, p.Lys8566= (NM_133437.4).
Identifiers: ClinVar variation 263752 (VCV000263752.54), dbSNP rs370450339, ClinGen allele CA1994020.

ClinVar aggregate classification (germline): Conflicting classifications of pathogenicity. Review status: criteria provided, conflicting classifications (1 of 4 stars). 11 submissions from 11 submitters: Uncertain significance (1); Likely benign (8). 2 of the submissions do not count toward it. Last evaluated 2026-03-30.

Conditions:
TTN-related disorder. Also called: TTN-related disorders; TTN-related condition; TTN-related disease.
Cardiovascular phenotype. Identifiers: MedGen CN230736.
Autosomal recessive limb-girdle muscular dystrophy type 2J (LGMDR10). Also called: Limb-girdle muscular dystrophy, type 2J; MUSCULAR DYSTROPHY, LIMB-GIRDLE, AUTOSOMAL RECESSIVE 10. Identifiers: Orphanet 140922, MedGen C1837342, MONDO:0012127, OMIM 608807.
Dilated cardiomyopathy 1G (CMD1G). Identifiers: Orphanet 154, MedGen C1858763, MONDO:0011400, OMIM 604145.

Allele frequency attached by ClinVar (database versions not stated): ESP Exome Variant Server 0.00008; gnomAD 0.00009; ExAC 0.00010; gnomAD exomes 0.00010; TOPMed 0.00010.
gnomAD v4.1: 306 of 1,612,294 alleles (0.019%); highest among the groups gnomAD compares: Non-Finnish European, 0.025%; no homozygotes.

Submissions (11):

PreventionGenetics, part of Exact Sciences
Classification: Likely benign for TTN-related condition. Last evaluated: 2026-03-30. Review status: criteria provided, single submitter. Criteria: ACMG Guidelines, 2015. Collection method: clinical testing. Allele origin: germline.
Comment: This variant is classified as likely benign based on ACMG/AMP sequence variant interpretation guidelines (Richards et al. 2015 PMID: 25741868, with internal and published modifications).

CeGaT Center for Human Genetics Tuebingen
Classification: Likely benign. Last evaluated: 2026-02-01. Review status: criteria provided, single submitter. Criteria: CeGaT Center For Human Genetics Tuebingen Variant Classification Criteria Version 2. Collection method: clinical testing. Allele origin: germline. Affected: yes. Observed: 2 variant alleles.
Comment: TTN: BP4, BP7

Labcorp Genetics (formerly Invitae), Labcorp
Classification: Likely benign for Dilated cardiomyopathy 1G; Autosomal recessive limb-girdle muscular dystrophy type 2J. Last evaluated: 2026-01-25. Review status: criteria provided, single submitter. Criteria: Invitae Variant Classification Sherloc (09022015). Collection method: clinical testing. Allele origin: germline.

Mayo Clinic Laboratories, Mayo Clinic
Classification: Likely benign. Last evaluated: 2025-06-26. Review status: criteria provided, single submitter. Criteria: ACMG Guidelines, 2015. Collection method: clinical testing. Allele origin: germline. Observed: 2 variant alleles.
Comment: BP4, BP7

Blueprint Genetics
Classification: Likely benign. Last evaluated: 2024-04-26. Review status: criteria provided, single submitter. Criteria: ACMG Guidelines, 2015. Collection method: clinical testing. Allele origin: germline.

Women's Health and Genetics/Laboratory Corporation of America, LabCorp
Classification: Likely benign. Last evaluated: 2024-03-12. Review status: criteria provided, single submitter. Criteria: LabCorp Variant Classification Summary - May 2015. Collection method: clinical testing. Allele origin: germline.

GeneDx
Classification: Likely benign. Last evaluated: 2019-08-15. Review status: criteria provided, single submitter. Criteria: GeneDx Variant Classification Process June 2021. Collection method: clinical testing. Allele origin: germline. Affected: yes.

Eurofins Ntd Llc (ga)
Classification: Uncertain significance. Last evaluated: 2017-08-22. Review status: criteria provided, single submitter. Criteria: EGL Classification Definitions 2015. Collection method: clinical testing. Allele origin: germline. Observed: 1 variant allele, 1 heterozygote.

Ambry Genetics
Classification: Likely benign for Cardiovascular phenotype. Last evaluated: 2013-11-15. Review status: criteria provided, single submitter. Criteria: Ambry Autosomal Dominant and X-Linked criteria (10/2015). Collection method: clinical testing. Allele origin: germline. Observed: 1 variant allele.

Clinical Genetics, Academic Medical Center
Classification: Benign. Review status: no assertion criteria provided. Collection method: clinical testing. Allele origin: germline. Affected: yes. Study: VKGL Data-share Consensus. Not counted in ClinVar's aggregate classification.

Genome Diagnostics Laboratory, University Medical Center Utrecht
Classification: Likely benign. Review status: no assertion criteria provided. Collection method: clinical testing. Allele origin: germline. Affected: yes. Study: VKGL Data-share Consensus. Not counted in ClinVar's aggregate classification.